The following is an entry in ClinVar:

NM_001127671.2(LIFR):c.2807G>A (p.Arg936His)

Gene: LIFR (LIF receptor subunit alpha; minus strand). Cytogenetic location: 5p13.1.
Variant type: single nucleotide variant.
Coding change: c.2807G>A on transcript NM_001127671.2 (MANE Select); coding-DNA position 2807, G replaced by A.
Protein change: p.Arg936His; replaces arginine 936 with histidine.
Molecular consequence: missense variant.
Genome position (GRCh38, 1-based): chr5:38,482,082, C>T on the plus strand (G>A on the coding strand, the complement: LIFR is on the minus strand). VCF-style: chr5-38482082-C-T. GRCh37 (hg19) VCF-style: chr5-38482184-C-T.
Other names: c.2807G>A, p.Arg936His (NM_001364297.2, NM_002310.6); c.2774G>A, p.Arg925His (NM_001364298.2); short protein forms R925H, R936H.
Identifiers: ClinVar variation 1679480 (VCV001679480.7), dbSNP rs781371324, ClinGen allele CA3242562.
Genomic context (GRCh38, chr5:38,482,082, plus strand): 5'-TCCTCAATGATGGGTGGACAATAGGACACAACCACATGGTTTTCAGGCTCTGCATCAGAG[C>T]GATCTTCAGGACGCTCAGCTACTGGGGAAATTATTTCTGTATCTTCTATTTTAGGAAATG-3'
Protein context (NP_001121143.1, residues 926-946): ISPVAERPED[Arg936His]SDAEPENHVV

ClinVar aggregate classification (germline): Uncertain significance (1 of 4 stars; one submission).

Conditions:
Stüve-Wiedemann syndrome 1. Also called: STUVE-WIEDEMANN/SCHWARTZ-JAMPEL TYPE 2 SYNDROME. Identifiers: Orphanet 3206, MedGen C5676888, MONDO:0800043, OMIM 601559.

Allele frequency attached by ClinVar (database versions not stated): ExAC 0.00002; gnomAD 0.00002; TOPMed 0.00002.
gnomAD v4.1: 31 of 1,600,880 alleles (0.0019%); highest among the groups gnomAD compares: South Asian, 0.0045%; 1 homozygote.

Submission:

ARUP Laboratories, Molecular Genetics and Genomics, ARUP Laboratories
Classification: Uncertain significance for Stüve-Wiedemann syndrome 1. Last evaluated: 2022-01-26. Review status: criteria provided, single submitter. Criteria: ARUP Molecular Germline Variant Investigation Process 2021. Collection method: clinical testing. Allele origin: germline.
Comment: The LIFR c.2807G>A; p.Arg936His variant (rs781371324), to our knowledge, is not reported in the medical literature or gene specific databases. This variant is only observed on three alleles in the Genome Aggregation Database, indicating it is not a common polymorphism. The arginine at codon 936 is weakly conserved, and computational analyses predict that this variant is neutral (REVEL: 0.080). Due to limited information, the clinical significance of this variant is uncertain at this time.